The following is an entry in ClinVar:

NM_005245.4(FAT1):c.11195A>G (p.Asn3732Ser)

Genes: FAT1 (FAT atypical cadherin 1; minus strand), LOC126807254 (BRD4-independent group 4 enhancer GRCh37_chr4:187524269-187525468; plus strand). Cytogenetic location: 4q35.2.
Variant type: single nucleotide variant.
Coding change: c.11195A>G on transcript NM_005245.4 (MANE Select); coding-DNA position 11195, A replaced by G.
Protein change: p.Asn3732Ser; replaces asparagine 3732 with serine.
Molecular consequence: missense variant.
Genome position (GRCh38, 1-based): chr4:186,603,331, T>C on the plus strand (A>G on the coding strand, the complement: FAT1 is on the minus strand). VCF-style: chr4-186603331-T-C. GRCh37 (hg19) VCF-style: chr4-187524485-T-C.
Other names: short protein forms N3732S.
Identifiers: ClinVar variation 3252703 (VCV003252703.2), dbSNP rs373241719.

ClinVar aggregate classification (germline): Conflicting classifications of pathogenicity. Review status: criteria provided, conflicting classifications (1 of 4 stars). 2 submissions from 2 submitters: Uncertain significance (1); Likely benign (1). Last evaluated 2026-01-22.

Conditions:
FAT1-related disorder. Also called: FAT1-related condition.

Allele frequency attached by ClinVar (database versions not stated): TOPMed 0.00003; gnomAD 0.00009; gnomAD exomes 0.00015; ESP Exome Variant Server 0.00017; 1000 Genomes Project 0.00040; ExAC 0.00041; 1000 Genomes Project 30x 0.00062.
gnomAD v4.1: 240 of 1,613,990 alleles (0.015%); highest among the groups gnomAD compares: South Asian, 0.21%; 2 homozygotes.

Submissions (2):

PreventionGenetics, part of Exact Sciences
Classification: Likely benign for FAT1-related condition. Last evaluated: 2026-01-22. Review status: criteria provided, single submitter. Criteria: ACMG Guidelines, 2015. Collection method: clinical testing. Allele origin: germline.
Comment: This variant is classified as likely benign based on ACMG/AMP sequence variant interpretation guidelines (Richards et al. 2015 PMID: 25741868, with internal and published modifications).

GeneDx
Classification: Uncertain significance. Last evaluated: 2024-02-08. Review status: criteria provided, single submitter. Criteria: GeneDx Variant Classification Process June 2021. Collection method: clinical testing. Allele origin: germline. Affected: yes.
Comment: In silico analysis supports that this missense variant does not alter protein structure/function; Has not been previously published as pathogenic or benign to our knowledge